The following is an entry in ClinVar:

NM_000719.7(CACNA1C):c.5299A>G (p.Ile1767Val)

Genes: CACNA1C (calcium voltage-gated channel subunit alpha1 C; plus strand), CACNA1C-AS1 (CACNA1C antisense RNA 1; minus strand). Cytogenetic location: 12p13.33.
Variant type: single nucleotide variant.
Coding change: c.5299A>G on transcript NM_000719.7 (MANE Select); coding-DNA position 5299, A replaced by G.
Protein change: p.Ile1767Val; replaces isoleucine 1767 with valine.
Molecular consequence: missense variant.
Genome position (GRCh38, 1-based): chr12:2,679,651, A>G. VCF-style: chr12-2679651-A-G. GRCh37 (hg19) VCF-style: chr12-2788817-A-G.
Other names: c.5317A>G, p.Ile1773Val (NM_001129839.2); c.5299A>G, p.Ile1767Val (NM_001129840.2, NM_001129841.2, NM_001129842.2 and 4 more transcripts); c.5290A>G, p.Ile1764Val (NM_001129844.2); c.5266A>G, p.Ile1756Val (NM_001129846.2, NM_001167625.2); c.5443A>G, p.Ile1815Val (NM_199460.4, NM_001129827.2); c.5383A>G, p.Ile1795Val (NM_001129831.2); c.5359A>G, p.Ile1787Val (NM_001129832.2); c.5356A>G, p.Ile1786Val (NM_001129833.2, NM_001129834.2, NM_001129835.2); and 3 more; short protein forms I1756V, I1764V, I1767V, I1773V, I1775V, I1784V, I1786V, I1787V.
Identifiers: ClinVar variation 1314279 (VCV001314279.5), dbSNP rs2153803721, ClinGen allele CA383378918.
Genomic context (GRCh38, chr12:2,679,651, plus strand): 5'-AAGCTGGTGGACTCCACCTTCACCCCGAGCAGCTACTCGTCCACCGGCTCCAACGCCAAC[A>G]TCAACAACGCCAACAACACCGCCCTGGGTCGCCTCCCTCGCCCCGCCGGCTACCCCAGCA-3'
Protein context (NP_000710.5, residues 1757-1777): SYSSTGSNAN[Ile1767Val]NNANNTALGR

ClinVar aggregate classification (germline): Uncertain significance. Review status: criteria provided, multiple submitters, no conflicts (2 of 4 stars). 2 submissions from 2 submitters: Uncertain significance (2). Last evaluated 2024-01-26.

Conditions:
Long QT syndrome (LQTS). Identifiers: MedGen C0023976, MeSH D008133, MONDO:0002442. Disease mechanism: loss of function. Inheritance: Various modes of inheritance.

Submissions (2):

Labcorp Genetics (formerly Invitae), Labcorp
Classification: Uncertain significance for Long QT syndrome. Last evaluated: 2024-01-26. Review status: criteria provided, single submitter. Criteria: Invitae Variant Classification Sherloc (09022015). Collection method: clinical testing. Allele origin: germline.
Comment: This sequence change replaces isoleucine, which is neutral and non-polar, with valine, which is neutral and non-polar, at codon 1767 of the CACNA1C protein (p.Ile1767Val). This variant is not present in population databases (gnomAD no frequency). This variant has not been reported in the literature in individuals affected with CACNA1C-related conditions. ClinVar contains an entry for this variant (Variation ID: 1314279). Advanced modeling of protein sequence and biophysical properties (such as structural, functional, and spatial information, amino acid conservation, physicochemical variation, residue mobility, and thermodynamic stability) performed at Invitae indicates that this missense variant is not expected to disrupt CACNA1C protein function with a negative predictive value of 95%. In summary, the available evidence is currently insufficient to determine the role of this variant in disease. Therefore, it has been classified as a Variant of Uncertain Significance.

GeneDx
Classification: Uncertain significance. Last evaluated: 2021-04-05. Review status: criteria provided, single submitter. Criteria: GeneDx Variant Classification Process June 2021. Collection method: clinical testing. Allele origin: germline. Affected: yes.
Comment: Not observed in large population cohorts (Lek et al., 2016); In silico analysis supports that this missense variant does not alter protein structure/function; Has not been previously published as pathogenic or benign to our knowledge